The following is an entry in ClinVar:

NM_001079802.2(FKTN):c.538A>T (p.Ser180Cys)

Gene: FKTN (fukutin; plus strand). Cytogenetic location: 9q31.2.
Variant type: single nucleotide variant.
Coding change: c.538A>T on transcript NM_001079802.2 (MANE Select); coding-DNA position 538, A replaced by T.
Protein change: p.Ser180Cys; replaces serine 180 with cysteine.
Molecular consequence: missense variant. On other transcripts: non-coding transcript variant (2).
Genome position (GRCh38, 1-based): chr9:105,604,383, A>T. VCF-style: chr9-105604383-A-T. GRCh37 (hg19) VCF-style: chr9-108366664-A-T.
Other names: c.538A>T, p.Ser180Cys (NM_001351498.2, NM_001198963.2, NM_001351496.2 and 1 more transcripts); c.142A>T, p.Ser48Cys (NM_001351499.2, NM_001351500.2, NM_001351501.2 and 1 more transcripts); c.469A>T, p.Ser157Cys (NM_001351497.2); short protein forms S48C, S180C, S157C.
Identifiers: ClinVar variation 1501452 (VCV001501452.8), dbSNP rs2132798439, ClinGen allele CA374332205.

ClinVar aggregate classification (germline): Uncertain significance (1 of 4 stars; one submission).

Conditions:
Walker-Warburg congenital muscular dystrophy. Also called: Muscular dystrophy-dystroglycanopathy, type A; Walker-Warburg syndrome. Identifiers: Orphanet 899, MedGen C0265221, MONDO:0000171.

Allele frequency attached by ClinVar (database versions not stated): gnomAD exomes below 0.00001.
gnomAD v4.1: 2 of 1,614,024 alleles (0.00012%); highest among the groups gnomAD compares: African/African-American, 0.0013%; no homozygotes.

Submission:

Labcorp Genetics (formerly Invitae), Labcorp
Classification: Uncertain significance for Walker-Warburg congenital muscular dystrophy. Last evaluated: 2022-07-11. Review status: criteria provided, single submitter. Criteria: Invitae Variant Classification Sherloc (09022015). Collection method: clinical testing. Allele origin: germline.
Comment: This variant has not been reported in the literature in individuals affected with FKTN-related conditions. This sequence change replaces serine, which is neutral and polar, with cysteine, which is neutral and slightly polar, at codon 180 of the FKTN protein (p.Ser180Cys). This variant is not present in population databases (gnomAD no frequency). ClinVar contains an entry for this variant (Variation ID: 1501452). Algorithms developed to predict the effect of missense changes on protein structure and function (SIFT, PolyPhen-2, Align-GVGD) all suggest that this variant is likely to be tolerated. Algorithms developed to predict the effect of sequence changes on RNA splicing suggest that this variant may create or strengthen a splice site. In summary, the available evidence is currently insufficient to determine the role of this variant in disease. Therefore, it has been classified as a Variant of Uncertain Significance.